The following is an entry in ClinVar:

ClinVar aggregate classification (germline): Likely benign (1 of 4 stars; one submission).

Allele frequency attached by ClinVar (database versions not stated): ExAC 0.00004; gnomAD 0.00007; ESP Exome Variant Server 0.00008; TOPMed 0.00009; gnomAD exomes 0.00016; 1000 Genomes Project 30x 0.00031.
gnomAD v4.1: 239 of 1,614,002 alleles (0.015%); highest among the groups gnomAD compares: Non-Finnish European, 0.02%; no homozygotes.

Submission:

CeGaT Center for Human Genetics Tuebingen
Classification: Likely benign. Last evaluated: 2023-07-01. Review status: criteria provided, single submitter. Criteria: CeGaT Center For Human Genetics Tuebingen Variant Classification Criteria Version 2. Collection method: clinical testing. Allele origin: germline. Affected: yes. Observed: 1 variant allele.
Comment: HERC2: BP4, BP7

NM_004667.6(HERC2):c.1413C>T (p.Arg471=)

Gene: HERC2 (HECT and RLD domain containing E3 ubiquitin protein ligase 2; minus strand). Cytogenetic location: 15q13.1.
Variant type: single nucleotide variant.
Coding change: c.1413C>T on transcript NM_004667.6 (MANE Select); coding-DNA position 1413, C replaced by T.
Protein change: p.Arg471=; no amino-acid change (arginine 471 retained).
Molecular consequence: synonymous variant.
Genome position (GRCh38, 1-based): chr15:28,269,281, G>A on the plus strand (C>T on the coding strand, the complement: HERC2 is on the minus strand). VCF-style: chr15-28269281-G-A. GRCh37 (hg19) VCF-style: chr15-28514427-G-A.
Identifiers: ClinVar variation 2645082 (VCV002645082.24), dbSNP rs149969678, ClinGen allele CA7443468.
Genomic context (GRCh38, chr15:28,269,281, plus strand): 5'-TGCAGGCACAGTGCCCAGAACACTCACCAGCGTGTCACTATTATAGGCCTGTGTGTACAC[G>A]CGGCCATTGCGTGACAGAATCAGGAAACGCTTCTCTGCACAGGCAATCTGTGTGACTCCC-3'
Protein context (NP_004658.3, residues 461-481): KRFLILSRNG[Arg471=]VYTQAYNSDT